The following is an entry in ClinVar:

NM_001620.3(AHNAK):c.14695C>T (p.Leu4899Phe)

Gene: AHNAK (AHNAK nucleoprotein; minus strand). Cytogenetic location: 11q12.3.
Variant type: single nucleotide variant.
Coding change: c.14695C>T on transcript NM_001620.3 (MANE Select); coding-DNA position 14695, C replaced by T.
Protein change: p.Leu4899Phe; replaces leucine 4899 with phenylalanine.
Molecular consequence: missense variant. On other transcripts: intron variant (1).
Genome position (GRCh38, 1-based): chr11:62,519,722, G>A on the plus strand (C>T on the coding strand, the complement: AHNAK is on the minus strand). VCF-style: chr11-62519722-G-A. GRCh37 (hg19) VCF-style: chr11-62287194-G-A.
Other names: c.14695C>T, p.Leu4899Phe (NM_001346445.2, NM_001346446.2); c.342+15281C>T (NM_024060.4); short protein forms L4899F.
Identifiers: ClinVar variation 3771477 (VCV003771477.13).

ClinVar aggregate classification (germline): Uncertain significance (1 of 4 stars; one submission).

gnomAD v4.1: 4 of 1,613,982 alleles (0.00025%); highest among the groups gnomAD compares: Middle Eastern, 0.033%; no homozygotes.

Submission:

CeGaT Center for Human Genetics Tuebingen
Classification: Uncertain significance. Last evaluated: 2025-02-01. Review status: criteria provided, single submitter. Criteria: CeGaT Center For Human Genetics Tuebingen Variant Classification Criteria Version 2. Collection method: clinical testing. Allele origin: germline. Affected: yes. Observed: 1 variant allele.
Comment: AHNAK: PM2, BP4